The following is an entry in ClinVar:

ClinVar aggregate classification (germline): Benign/Likely benign. Review status: criteria provided, multiple submitters, no conflicts (2 of 4 stars). 4 submissions from 4 submitters: Benign (1); Likely benign (3). Last evaluated 2025-01-21.

Conditions:
Familial cancer of breast. Also called: BREAST CANCER, FAMILIAL; hereditary breast carcinoma; Hereditary breast cancer. Identifiers: Orphanet 227535, MedGen C0346153, MONDO:0016419, OMIM 114480. Disease mechanism: loss of function.
Hereditary cancer-predisposing syndrome. Also called: Neoplastic Syndromes, Hereditary; Tumor predisposition; Hereditary Cancer Syndrome; Hereditary neoplastic syndrome. Identifiers: Orphanet 140162, MedGen C0027672, MeSH D009386, MONDO:0015356.

Submissions (4):

Myriad Genetics, Inc.
Classification: Benign for Familial cancer of breast. Last evaluated: 2025-01-21. Review status: criteria provided, single submitter. Criteria: Myriad Autosomal Dominant, Autosomal Recessive and X-Linked Classification Criteria (2023). Collection method: clinical testing. Allele origin: unknown.
Comment: This variant is considered benign. This variant is a silent/synonymous amino acid change and it is not expected to impact splicing.

Color Diagnostics, LLC DBA Color Health
Classification: Likely benign for Hereditary cancer-predisposing syndrome. Last evaluated: 2023-01-30. Review status: criteria provided, single submitter. Criteria: ACMG Guidelines, 2015. Collection method: clinical testing. Allele origin: germline.

Labcorp Genetics (formerly Invitae), Labcorp
Classification: Likely benign for Familial cancer of breast. Last evaluated: 2020-11-05. Review status: criteria provided, single submitter. Criteria: Invitae Variant Classification Sherloc (09022015). Collection method: clinical testing. Allele origin: germline.

Ambry Genetics
Classification: Likely benign for Hereditary cancer-predisposing syndrome. Last evaluated: 2015-03-11. Review status: criteria provided, single submitter. Criteria: Ambry Variant Classification Scheme 2023. Collection method: clinical testing. Allele origin: germline.

NM_024675.4(PALB2):c.2904T>C (p.Ala968=)

Gene: PALB2 (partner and localizer of BRCA2; minus strand). Cytogenetic location: 16p12.2.
Variant type: single nucleotide variant.
Coding change: c.2904T>C on transcript NM_024675.4 (MANE Select); coding-DNA position 2904, T replaced by C.
Protein change: p.Ala968=; no amino-acid change (alanine 968 retained).
Molecular consequence: synonymous variant.
Genome position (GRCh38, 1-based): chr16:23,623,061, A>G on the plus strand (T>C on the coding strand, the complement: PALB2 is on the minus strand). VCF-style: chr16-23623061-A-G. GRCh37 (hg19) VCF-style: chr16-23634382-A-G.
Identifiers: ClinVar variation 230871 (VCV000230871.17), dbSNP rs876658818, ClinGen allele CA10579944.